The following continues an entry in ClinVar:

NM_001267550.2(TTN):c.25936C>T (p.Arg8646Cys)

Gene: TTN. ClinVar aggregate classification (germline): Benign/Likely benign. Benign (17); Likely benign (5).

Submissions 19 to 28 of 28:

Ambry Genetics
Classification: Benign for Cardiovascular phenotype. Last evaluated: 2013-03-27. Review status: criteria provided, single submitter. Criteria: Ambry Autosomal Dominant and X-Linked criteria (10/2015). Collection method: clinical testing. Allele origin: germline. Observed: 1 variant allele.

GeneDx
Classification: Benign. Last evaluated: 2012-10-22. Review status: criteria provided, single submitter. Criteria: GeneDx Variant Classification (06012015). Collection method: clinical testing. Allele origin: germline. Affected: yes.
Comment: This variant is considered likely benign or benign based on one or more of the following criteria: it is a conservative change, it occurs at a poorly conserved position in the protein, it is predicted to be benign by multiple in silico algorithms, and/or has population frequency not consistent with disease.

Laboratory for Molecular Medicine, Mass General Brigham Personalized Medicine
Classification: Benign. Last evaluated: 2012-03-26. Review status: criteria provided, single submitter. Criteria: LMM Criteria. Collection method: clinical testing. Allele origin: germline. Observed: 66 variant alleles.
Comment: Arg7402Cys in exon 87 of TTN: This variant is classified as benign based on its high frequency in the general population (dbSNP rs72648987; NHLBI Exome Sequenci ng Project)

Breakthrough Genomics
Classification: Likely benign. Review status: criteria provided, single submitter. Criteria: ACMG Guidelines, 2015. Collection method: not provided. Allele origin: germline. Inheritance: Autosomal recessive inheritance. Affected: yes.

PreventionGenetics, part of Exact Sciences
Classification: Benign for TTN-related condition. Last evaluated: 2019-04-08. Review status: no assertion criteria provided. Collection method: clinical testing. Allele origin: germline. Not counted in ClinVar's aggregate classification.
Comment: This variant is classified as benign based on ACMG/AMP sequence variant interpretation guidelines (Richards et al. 2015 PMID: 25741868, with internal and published modifications).

Clinical Genetics DNA and cytogenetics Diagnostics Lab, Erasmus MC, Erasmus Medical Center
Classification: Benign. Review status: no assertion criteria provided. Collection method: clinical testing. Allele origin: germline. Affected: yes. Study: VKGL Data-share Consensus. Not counted in ClinVar's aggregate classification.

Clinical Genetics, Academic Medical Center
Classification: Benign. Review status: no assertion criteria provided. Collection method: clinical testing. Allele origin: germline. Affected: yes. Study: VKGL Data-share Consensus. Not counted in ClinVar's aggregate classification.

Diagnostic Laboratory, Department of Genetics, University Medical Center Groningen
Classification: Likely benign. Review status: no assertion criteria provided. Collection method: clinical testing. Allele origin: germline. Affected: yes. Study: VKGL Data-share Consensus. Not counted in ClinVar's aggregate classification.

Joint Genome Diagnostic Labs from Nijmegen and Maastricht, Radboudumc and MUMC+
Classification: Benign. Review status: no assertion criteria provided. Collection method: clinical testing. Allele origin: germline. Affected: yes. Study: VKGL Data-share Consensus. Not counted in ClinVar's aggregate classification.

Laboratory of Diagnostic Genome Analysis, Leiden University Medical Center (LUMC)
Classification: Likely benign. Review status: no assertion criteria provided. Collection method: clinical testing. Allele origin: germline. Affected: yes. Study: VKGL Data-share Consensus. Not counted in ClinVar's aggregate classification.